The following is an entry in ClinVar:

NM_003331.5(TYK2):c.2213G>A (p.Arg738Gln)

Gene: TYK2 (tyrosine kinase 2; minus strand). Cytogenetic location: 19p13.2.
Variant type: single nucleotide variant.
Coding change: c.2213G>A on transcript NM_003331.5 (MANE Select); coding-DNA position 2213, G replaced by A.
Protein change: p.Arg738Gln; replaces arginine 738 with glutamine.
Molecular consequence: missense variant.
Genome position (GRCh38, 1-based): chr19:10,358,101, C>T on the plus strand (G>A on the coding strand, the complement: TYK2 is on the minus strand). VCF-style: chr19-10358101-C-T. GRCh37 (hg19) VCF-style: chr19-10468777-C-T.
Other names: c.2213G>A, p.Arg738Gln (NM_001385197.1, NM_001385198.1, NM_001385200.1 and 3 more transcripts); c.2027G>A, p.Arg676Gln (NM_001385199.1); c.2015G>A, p.Arg672Gln (NM_001385201.1); c.2129G>A, p.Arg710Gln (NM_001385202.1); c.2123G>A, p.Arg708Gln (NM_001385205.1); c.2087G>A, p.Arg696Gln (NM_001385206.1); c.2195G>A, p.Arg732Gln (NM_001385207.1); short protein forms R676Q, R708Q, R672Q, R696Q, R738Q, R710Q, R732Q.
Identifiers: ClinVar variation 2172959 (VCV002172959.2), dbSNP rs760784092, ClinGen allele CA9193142.

ClinVar aggregate classification (germline): Uncertain significance (1 of 4 stars; one submission).

Conditions:
Immunodeficiency 35 (IMD35). Also called: TYK2 DEFICIENCY; HIES WITH ATYPICAL MYCOBACTERIOSIS, AUTOSOMAL RECESSIVE; HYPER-IgE SYNDROME WITH ATYPICAL MYCOBACTERIOSIS, AUTOSOMAL RECESSIVE; Susceptibility to infection due to TYK2 deficiency. Identifiers: Orphanet 331226, MedGen C1969086, MONDO:0012682, OMIM 611521.

Allele frequency attached by ClinVar (database versions not stated): TOPMed below 0.00001; gnomAD exomes 0.00001; ExAC 0.00002; gnomAD 0.00002.
gnomAD v4.1: 18 of 1,611,614 alleles (0.0011%); highest among the groups gnomAD compares: Middle Eastern, 0.017%; no homozygotes.

Submission:

Labcorp Genetics (formerly Invitae), Labcorp
Classification: Uncertain significance for Immunodeficiency 35. Last evaluated: 2022-01-17. Review status: criteria provided, single submitter. Criteria: Invitae Variant Classification Sherloc (09022015). Collection method: clinical testing. Allele origin: germline.
Comment: In summary, the available evidence is currently insufficient to determine the role of this variant in disease. Therefore, it has been classified as a Variant of Uncertain Significance. Algorithms developed to predict the effect of sequence changes on RNA splicing suggest that this variant may create or strengthen a splice site. Algorithms developed to predict the effect of missense changes on protein structure and function are either unavailable or do not agree on the potential impact of this missense change (SIFT: "Not Available"; PolyPhen-2: "Possibly Damaging"; Align-GVGD: "Not Available"). This variant has not been reported in the literature in individuals affected with TYK2-related conditions. This variant is present in population databases (rs760784092, gnomAD 0.01%). This sequence change replaces arginine, which is basic and polar, with glutamine, which is neutral and polar, at codon 738 of the TYK2 protein (p.Arg738Gln).